The following is an entry in ClinVar:

ClinVar aggregate classification (germline): Uncertain significance (1 of 4 stars; one submission).

Conditions:
Hypertrophic cardiomyopathy. Also called: HYPERTROPHIC MYOCARDIOPATHY. Identifiers: Orphanet 217569, MedGen C0007194, MeSH D002312, MONDO:0005045, HP:0001639.

Allele frequency attached by ClinVar (database versions not stated): gnomAD exomes 0.00001.
gnomAD v4.1: 20 of 1,613,740 alleles (0.0012%); highest among the groups gnomAD compares: Non-Finnish European, 0.0017%; no homozygotes.

Submission:

All of Us Research Program, National Institutes of Health
Classification: Uncertain significance for Hypertrophic cardiomyopathy. Last evaluated: 2024-02-05. Review status: criteria provided, single submitter. Criteria: ACMG Guidelines, 2015. Collection method: clinical testing. Allele origin: germline. Inheritance: Autosomal dominant inheritance. Observed: 2 variant alleles, 2 heterozygotes.
Comment: This missense variant replaces lysine with glutamic acid at codon 1211 of the MYBPC3 protein. Computational prediction suggests that this variant may not impact protein structure and function (internally defined REVEL score threshold <= 0.5, PMID: 27666373). To our knowledge, functional studies have not been reported for this variant. This variant has not been reported in individuals affected with MYBPC3-related disorders in the literature. This variant has been identified in 1/249060 chromosomes in the general population by the Genome Aggregation Database (gnomAD). The available evidence is insufficient to determine the role of this variant in disease conclusively. Therefore, this variant is classified as a Variant of Uncertain Significance.

This study involves interpretation of variants in research participants for the purpose of population health screening. Participant phenotype was not available at the time of variant classification. Additional details can be found in publication PMID: 35346344, PMCID: PMC8962531

NM_000256.3(MYBPC3):c.3631A>G (p.Lys1211Glu)

Gene: MYBPC3 (myosin binding protein C3; minus strand). Cytogenetic location: 11p11.2.
Variant type: single nucleotide variant.
Coding change: c.3631A>G on transcript NM_000256.3 (MANE Select); coding-DNA position 3631, A replaced by G.
Protein change: p.Lys1211Glu; replaces lysine 1211 with glutamic acid.
Molecular consequence: missense variant.
Genome position (GRCh38, 1-based): chr11:47,332,255, T>C on the plus strand (A>G on the coding strand, the complement: MYBPC3 is on the minus strand). VCF-style: chr11-47332255-T-C. GRCh37 (hg19) VCF-style: chr11-47353806-T-C.
Other names: short protein forms K1211E.
Identifiers: ClinVar variation 3073753 (VCV003073753.1), dbSNP rs1565622471, ClinGen allele CA380312029.
Genomic context (GRCh38, chr11:47,332,255, plus strand): 5'-TGAACATGCGGAAGCGGGCGTCTTCTCCCAGGTCCAGGCCATTCTTGAACCAGGAAATCT[T>C]GGGCTATAAATAAGGTAAAGAGAGGGAGGGAAGCCATCCAGGCTGAGAGGGGACCTGGCA-3'
Protein context (NP_000247.2, residues 1201-1221): CCAVRGSPKP[Lys1211Glu]ISWFKNGLDL